The following is an entry in ClinVar:

ClinVar aggregate classification (germline): Pathogenic (3 of 4 stars; one submission).

Conditions:
Phenylketonuria (PKU). Also called: Phenylketonurias; Phenylketonuria (PKU); OLIGOPHRENIA PHENYLPYRUVICA; FOLLING DISEASE. Identifiers: Orphanet 716, MedGen C0031485, MONDO:0009861, OMIM 261600. Disease mechanism: loss of function.

Submission:

ClinGen PAH Variant Curation Expert Panel
Classification: Pathogenic for Phenylketonuria. Last evaluated: 2020-12-07. Review status: reviewed by expert panel. Criteria: ClinGen PAH ACMG Specifications v1. Collection method: curation. Allele origin: germline. Inheritance: Autosomal recessive inheritance.
Comment: This variant c.1071C>A (p.Cys357Ter) in PAH was reported with pathogenic variants p.Val399=, p.Arg243Gln and c.721C>T in 3 patients with PAH deficiency. BH4 deficiency was excluded through a BH4 loading test, urinary pterin analysis, and DHPR activity assay for 1 patient. (PMID: 28754886, 28982351, 31445982). This is a nonsense variant in exon 11 out of 13 coding exons, predicted to undergo nonsense mediated mRNA decay. The exon is present in biologically-relevant transcripts. This variant is absent in population databases. In summary, this variant meets criteria to be classified as pathogenic for PAH. PAH-specific ACMG/AMP criteria applied: PVS1, PM3 strong, PM2, PP4 moderate.

NM_000277.3(PAH):c.1071C>A (p.Cys357Ter)

Gene: PAH (phenylalanine hydroxylase; minus strand). Cytogenetic location: 12q23.2.
Variant type: single nucleotide variant.
Coding change: c.1071C>A on transcript NM_000277.3 (MANE Select); coding-DNA position 1071, C replaced by A.
Protein change: p.Cys357Ter; replaces cysteine 357 with a stop codon.
Molecular consequence: nonsense.
Genome position (GRCh38, 1-based): chr12:102,843,774, G>T on the plus strand (C>A on the coding strand, the complement: PAH is on the minus strand). VCF-style: chr12-102843774-G-T. GRCh37 (hg19) VCF-style: chr12-103237552-G-T.
Other names: c.1071C>A, p.Cys357Ter (NM_001354304.2); short protein forms C357*.
Identifiers: ClinVar variation 1065374 (VCV001065374.1), dbSNP rs766107583, ClinGen allele CA16020933.